The following is an entry in ClinVar:

ClinVar aggregate classification (germline): Uncertain significance (1 of 4 stars; one submission).

Conditions:
Inborn genetic diseases. Identifiers: MedGen C0950123, MeSH D030342.

gnomAD v4.1: 6 of 1,614,156 alleles (0.00037%); highest among the groups gnomAD compares: Non-Finnish European, 0.00051%; no homozygotes.

Submission:

Ambry Genetics
Classification: Uncertain significance for Inborn genetic diseases. Last evaluated: 2025-03-17. Review status: criteria provided, single submitter. Criteria: Ambry Variant Classification Scheme 2023. Collection method: clinical testing. Allele origin: germline.
Comment: The p.S1222G variant (also known as c.3664A>G), located in coding exon 17 of the MECOM gene, results from an A to G substitution at nucleotide position 3664. The serine at codon 1222 is replaced by glycine, an amino acid with similar properties. This amino acid position is conserved. In addition, this alteration is predicted to be tolerated by in silico analysis. Based on the available evidence, the clinical significance of this variant remains unclear.

NM_004991.4(MECOM):c.3664A>G (p.Ser1222Gly)

Gene: MECOM (MDS1 and EVI1 complex locus; minus strand). Cytogenetic location: 3q26.2.
Variant type: single nucleotide variant.
Coding change: c.3664A>G on transcript NM_004991.4 (MANE Select); coding-DNA position 3664, A replaced by G.
Protein change: p.Ser1222Gly; replaces serine 1222 with glycine.
Molecular consequence: missense variant.
Genome position (GRCh38, 1-based): chr3:169,084,965, T>C on the plus strand (A>G on the coding strand, the complement: MECOM is on the minus strand). VCF-style: chr3-169084965-T-C. GRCh37 (hg19) VCF-style: chr3-168802753-T-C.
Other names: c.3295A>G, p.Ser1099Gly (NM_001105077.4); c.3100A>G, p.Ser1034Gly (NM_001105078.4, NM_001205194.2, NM_001366469.2 and 1 more transcripts); c.3076A>G, p.Ser1026Gly (NM_001163999.2, NM_001366470.2); c.3073A>G, p.Ser1025Gly (NM_001164000.2, NM_001366471.2, NM_001366472.2); c.3637A>G, p.Ser1213Gly (NM_001366466.2); c.3103A>G, p.Ser1035Gly (NM_001366467.2, NM_001366468.2); c.2665A>G, p.Ser889Gly (NM_001366473.2); c.2101A>G, p.Ser701Gly (NM_001366474.2); short protein forms S1025G, S1034G, S1099G, S1213G, S889G, S1026G, S1222G, S1035G.
Identifiers: ClinVar variation 4053075 (VCV004053075.1).